The following is an entry in ClinVar:

ClinVar aggregate classification (germline): Uncertain significance (1 of 4 stars; one submission).

Conditions:
Hereditary spastic paraplegia 30. Identifiers: Orphanet 101010, MedGen C5235139, MONDO:0012476.
Neuropathy, hereditary sensory, type 2C. Also called: KIF1A-Related HSAN2 (HSAN2C); Hereditary sensory and autonomic neuropathy type IIC. Identifiers: Orphanet 970, MedGen C3280168, MONDO:0013634, OMIM 614213.
Intellectual disability, autosomal dominant 9 (NESCAVS). Also called: KIF1A-Related Neurodevelopmental Disorder; NESCAV SYNDROME. Identifiers: Orphanet 662367, MedGen C5393830, MONDO:0013656, OMIM 614255.

Submission:

Labcorp Genetics (formerly Invitae), Labcorp
Classification: Uncertain significance for Hereditary spastic paraplegia 30; Neuropathy, hereditary sensory, type 2C; Intellectual disability, autosomal dominant 9. Last evaluated: 2022-08-09. Review status: criteria provided, single submitter. Criteria: Invitae Variant Classification Sherloc (09022015). Collection method: clinical testing. Allele origin: germline.
Comment: ClinVar contains an entry for this variant (Variation ID: 1473821). This variant has not been reported in the literature in individuals affected with KIF1A-related conditions. This variant is not present in population databases (gnomAD no frequency). This sequence change replaces tyrosine, which is neutral and polar, with phenylalanine, which is neutral and non-polar, at codon 862 of the KIF1A protein (p.Tyr862Phe). Advanced modeling of protein sequence and biophysical properties (such as structural, functional, and spatial information, amino acid conservation, physicochemical variation, residue mobility, and thermodynamic stability) performed at Invitae indicates that this missense variant is not expected to disrupt KIF1A protein function. In summary, the available evidence is currently insufficient to determine the role of this variant in disease. Therefore, it has been classified as a Variant of Uncertain Significance.

NM_001244008.2(KIF1A):c.2888A>T (p.Tyr963Phe)

Gene: KIF1A (kinesin family member 1A; minus strand). Cytogenetic location: 2q37.3.
Variant type: single nucleotide variant.
Coding change: c.2888A>T on transcript NM_001244008.2 (MANE Select); coding-DNA position 2888, A replaced by T.
Protein change: p.Tyr963Phe; replaces tyrosine 963 with phenylalanine.
Molecular consequence: missense variant.
Genome position (GRCh38, 1-based): chr2:240,750,518, T>A on the plus strand (A>T on the coding strand, the complement: KIF1A is on the minus strand). VCF-style: chr2-240750518-T-A. GRCh37 (hg19) VCF-style: chr2-241689935-T-A.
Other names: c.2612A>T, p.Tyr871Phe (NM_001320705.2, NM_001330289.2, NM_001379638.1); c.2687A>T, p.Tyr896Phe (NM_001330290.2, NM_001379634.1, NM_001379635.1 and 1 more transcripts); c.2963A>T, p.Tyr988Phe (NM_001379631.1); c.2837A>T, p.Tyr946Phe (NM_001379632.1); c.2861A>T, p.Tyr954Phe (NM_001379633.1, NM_001379642.1, NM_001379645.1); c.2585A>T, p.Tyr862Phe (NM_001379636.1, NM_001379639.1, NM_001379640.1 and 6 more transcripts); c.2660A>T, p.Tyr887Phe (NM_001379637.1, NM_001379648.1); short protein forms Y896F, Y954F, Y963F, Y887F, Y946F, Y988F, Y862F, Y871F.
Identifiers: ClinVar variation 1473821 (VCV001473821.8), dbSNP rs2125825238, ClinGen allele CA351320121.